The following is an entry in ClinVar:

ClinVar aggregate classification (germline): Pathogenic/Likely pathogenic. Review status: criteria provided, multiple submitters, no conflicts (2 of 4 stars). 2 submissions from 2 submitters: Pathogenic (1); Likely pathogenic (1). Last evaluated 2025-08-26.

Conditions:
Junctional epidermolysis bullosa. Identifiers: Orphanet 305, MedGen C0079301, MONDO:0017612.

Submissions (2):

Myriad Genetics, Inc.
Classification: Pathogenic for Junctional epidermolysis bullosa. Last evaluated: 2025-08-26. Review status: criteria provided, single submitter. Criteria: Myriad Autosomal Dominant, Autosomal Recessive and X-Linked Classification Criteria (2023). Collection method: clinical testing. Allele origin: unknown.
Comment: NM_001127718.1(LAMA3):c.171+1G>A is a variant in a canonical splice site classified as pathogenic in the context of junctional epidermolysis bullosa, LAMA3-related. c.171+1G>A has been observed in a case with relevant disease (PMID: 35193344). Relevant functional assessments of this variant are not available in the literature. c.171+1G>A has not been observed in referenced population frequency databases. In summary, NM_001127718.1(LAMA3):c.171+1G>A is a variant in a canonical splice site in a gene where loss of function is a known mechanism of disease, is predicted to disrupt protein function, and has been observed more frequently in cases with the relevant disease than in healthy populations. Please note: this variant was assessed in the context of healthy population screening.

Labcorp Genetics (formerly Invitae), Labcorp
Classification: Likely pathogenic. Last evaluated: 2021-12-25. Review status: criteria provided, single submitter. Criteria: Invitae Variant Classification Sherloc (09022015). Collection method: clinical testing. Allele origin: germline.
Comment: In summary, the currently available evidence indicates that the variant is pathogenic, but additional data are needed to prove that conclusively. Therefore, this variant has been classified as Likely Pathogenic. Algorithms developed to predict the effect of sequence changes on RNA splicing suggest that this variant may disrupt the consensus splice site. This variant has not been reported in the literature in individuals affected with LAMA3-related conditions. This variant is not present in population databases (gnomAD no frequency). This sequence change affects a donor splice site in intron 1 of the LAMA3 gene. It is expected to disrupt RNA splicing. Variants that disrupt the donor or acceptor splice site typically lead to a loss of protein function (PMID: 16199547), and loss-of-function variants in LAMA3 are known to be pathogenic (PMID: 10366601, 11810295, 12915477, 16473856, 17362460, 22434185, 23869449, 27827380, 28087116).

Literature cited by the submitters: PubMed 35193344 (cited by Myriad Genetics, Inc.); PubMed 16199547 (cited by Labcorp Genetics (formerly Invitae), Labcorp); PubMed 10366601 (cited by Labcorp Genetics (formerly Invitae), Labcorp); PubMed 11810295 (cited by Labcorp Genetics (formerly Invitae), Labcorp); PubMed 12915477 (cited by Labcorp Genetics (formerly Invitae), Labcorp); PubMed 16473856 (cited by Labcorp Genetics (formerly Invitae), Labcorp); PubMed 17362460 (cited by Labcorp Genetics (formerly Invitae), Labcorp); PubMed 22434185 (cited by Labcorp Genetics (formerly Invitae), Labcorp); PubMed 23869449 (cited by Labcorp Genetics (formerly Invitae), Labcorp); PubMed 27827380 (cited by Labcorp Genetics (formerly Invitae), Labcorp); PubMed 28087116 (cited by Labcorp Genetics (formerly Invitae), Labcorp).

NM_000227.6(LAMA3):c.171+1G>A

Genes: LAMA3 (laminin subunit alpha 3; plus strand), LOC126862707 (MED14-independent group 3 enhancer GRCh37_chr18:21452354-21453553; plus strand). Cytogenetic location: 18q11.2.
Variant type: single nucleotide variant.
Coding change: c.171+1G>A on transcript NM_000227.6 (MANE Plus Clinical); the canonical splice donor site of the intron after coding-DNA position 171, G replaced by A.
Molecular consequence: splice donor variant. On other transcripts: intron variant (2).
Genome position (GRCh38, 1-based): chr18:23,873,216, G>A. VCF-style: chr18-23873216-G-A. GRCh37 (hg19) VCF-style: chr18-21453180-G-A.
Other names: c.4998+1555G>A (NM_198129.4, NM_001127717.4); c.171+1G>A (NM_001127718.4).
Identifiers: ClinVar variation 2201292 (VCV002201292.5), dbSNP rs2511226037, ClinGen allele CA402044837.